The following is an entry in ClinVar:

NM_001042492.3(NF1):c.3589G>C (p.Ala1197Pro)

Gene: NF1 (neurofibromin 1; plus strand). Cytogenetic location: 17q11.2.
Variant type: single nucleotide variant.
Coding change: c.3589G>C on transcript NM_001042492.3 (MANE Select); coding-DNA position 3589, G replaced by C.
Protein change: p.Ala1197Pro; replaces alanine 1197 with proline.
Molecular consequence: missense variant.
Genome position (GRCh38, 1-based): chr17:31,233,094, G>C. VCF-style: chr17-31233094-G-C. GRCh37 (hg19) VCF-style: chr17-29560112-G-C.
Other names: c.3589G>C, p.Ala1197Pro (NM_000267.4); short protein forms A1197P.
Identifiers: ClinVar variation 3404958 (VCV003404958.3).

ClinVar aggregate classification (germline): Uncertain significance. Review status: criteria provided, multiple submitters, no conflicts (2 of 4 stars). 2 submissions from 2 submitters: Uncertain significance (2). Last evaluated 2025-02-23.

Conditions:
Hereditary cancer-predisposing syndrome. Also called: Hereditary Cancer Syndrome; Hereditary neoplastic syndrome; Neoplastic Syndromes, Hereditary; Tumor predisposition. Identifiers: Orphanet 140162, MedGen C0027672, MeSH D009386, MONDO:0015356.
Cardiovascular phenotype. Identifiers: MedGen CN230736.
Neurofibromatosis, type 1 (NF1). Also called: NEUROFIBROMATOSIS, TYPE I, SOMATIC; Neurofibromatosis, type I; Peripheral type neurofibromatosis; VON RECKLINGHAUSEN DISEASE. Identifiers: Orphanet 636, MedGen C0027831, MONDO:0018975, OMIM 162200. Disease mechanism: loss of function.

Submissions (2):

Labcorp Genetics (formerly Invitae), Labcorp
Classification: Uncertain significance for Neurofibromatosis, type 1. Last evaluated: 2025-02-23. Review status: criteria provided, single submitter. Criteria: Invitae Variant Classification Sherloc (09022015). Collection method: clinical testing. Allele origin: germline.
Comment: This sequence change replaces alanine, which is neutral and non-polar, with proline, which is neutral and non-polar, at codon 1197 of the NF1 protein (p.Ala1197Pro). This variant is not present in population databases (gnomAD no frequency). This variant has not been reported in the literature in individuals affected with NF1-related conditions. ClinVar contains an entry for this variant (Variation ID: 3404958). Invitae Evidence Modeling of protein sequence and biophysical properties (such as structural, functional, and spatial information, amino acid conservation, physicochemical variation, residue mobility, and thermodynamic stability) indicates that this missense variant is expected to disrupt NF1 protein function with a positive predictive value of 95%. In summary, the available evidence is currently insufficient to determine the role of this variant in disease. Therefore, it has been classified as a Variant of Uncertain Significance.

Ambry Genetics
Classification: Uncertain significance for Cardiovascular phenotype; Hereditary cancer-predisposing syndrome. Last evaluated: 2024-11-19. Review status: criteria provided, single submitter. Criteria: Ambry Variant Classification Scheme 2023. Collection method: clinical testing. Allele origin: germline.
Comment: The c.3589G>C (p.A1197P) alteration is located in exon 27 (coding exon 27) of the NF1 gene. This alteration results from a G to C substitution at nucleotide position 3589, causing the alanine (A) at amino acid position 1197 to be replaced by a proline (P). This variant was not reported in population-based cohorts in the Genome Aggregation Database (gnomAD). Two other alterations at the same codon, c.3590C>T (p.A1197V) and c.3589G>A (p.A1197T), have been detected in individuals with clinical features overlapping with neurofibromatosis type 1 (Martorana, 2023; Watanabe, 2023). This amino acid position is highly conserved in available vertebrate species. This alteration is predicted to be deleterious by in silico analysis. Based on insufficient or conflicting evidence, the clinical significance of this alteration remains unclear.

Literature cited by the submitters: PubMed 37751797 (cited by Ambry Genetics); PubMed 37993422 (cited by Ambry Genetics).